The following is an entry in ClinVar:

NM_000545.8(HNF1A):c.1501+1G>T

Gene: HNF1A (HNF1 homeobox A; plus strand). Cytogenetic location: 12q24.31.
Variant type: single nucleotide variant.
Coding change: c.1501+1G>T on transcript NM_000545.8 (MANE Select); the canonical splice donor site of the intron after coding-DNA position 1501, G replaced by T.
Molecular consequence: splice donor variant. On other transcripts: intron variant (1).
Genome position (GRCh38, 1-based): chr12:120,997,666, G>T. VCF-style: chr12-120997666-G-T. GRCh37 (hg19) VCF-style: chr12-121435469-G-T.
Other names: NM_001306179.2:c.1501+1G>T; c.1501+1G>T (NM_001306179.2); c.1309+924G>T (NM_001406915.1).
Identifiers: ClinVar variation 1687080 (VCV001687080.3), dbSNP rs1131692182, ClinGen allele CA386970411.

ClinVar aggregate classification (germline): Likely pathogenic (3 of 4 stars; one submission).

Conditions:
Monogenic diabetes. Identifiers: Orphanet 183625, MedGen C3888631, MONDO:0015967.

Submission:

ClinGen Monogenic Diabetes Variant Curation Expert Panel
Classification: Likely pathogenic for Monogenic diabetes. Last evaluated: 2022-05-03. Review status: reviewed by expert panel. Criteria: ClinGen Diabetes ACMG Specifications v1 1. Collection method: curation. Allele origin: germline. Inheritance: Autosomal dominant inheritance.
Comment: The c.1501+1G>T variant in the HNF1 homeobox A gene, HNF1A, is predicted to remove a canonical splice donor site in intron 7 of NM_000545.8. This variant is predicted to cause skipping of biologically-relevant exon 7 of 10, resulting in a frameshift, leading to nonsense mediated decay in a gene in which loss-of-function is an established disease mechanism (PVS1; PMID: 23348805). This variant is also absent from gnomAD v2.1.1 (PM2_Supporting). This variant was identified in an individual with diabetes; however, the MODY probability is unable to be calculated due to insufficient clinical information (PMID: 19169489). Therefore, PP4 cannot be applied. The nucleotide change c.1501G>A is predicted to disrupt the intron 7 splice donor site to a similar extent as c.1501+1G>T, however, the c.1501+1G>A variant has not met the criteria to be classified as pathogenic for monogenic diabetes by the ClinGen MDEP. Therefore, PS1_Supporting cannot be applied. In summary, c.1501+1G>T meets the criteria to be classified as likely pathogenic for monogenic diabetes. ACMG/AMP criteria applied, as specified by the ClinGen MDEP (specification version 1.1, approved 9/30/2021): PVS1, PM2_Supporting.